The following is an entry in ClinVar:

NM_000321.3(RB1):c.32C>G (p.Ala11Gly)

Gene: RB1 (RB transcriptional corepressor 1; plus strand). Cytogenetic location: 13q14.2.
Variant type: single nucleotide variant.
Coding change: c.32C>G on transcript NM_000321.3 (MANE Select); coding-DNA position 32, C replaced by G.
Protein change: p.Ala11Gly; replaces alanine 11 with glycine.
Molecular consequence: missense variant.
Genome position (GRCh38, 1-based): chr13:48,303,944, C>G. VCF-style: chr13-48303944-C-G. GRCh37 (hg19) VCF-style: chr13-48878080-C-G.
Other names: short protein forms A11G.
Identifiers: ClinVar variation 527927 (VCV000527927.13), dbSNP rs899323337, ClinGen allele CA249842025.

ClinVar aggregate classification (germline): Uncertain significance. Review status: criteria provided, multiple submitters, no conflicts (2 of 4 stars). 3 submissions from 3 submitters: Uncertain significance (3). Last evaluated 2025-05-28.

Conditions:
Retinoblastoma (RB1). Also called: RETINOBLASTOMA, SOMATIC. Identifiers: Orphanet 790, MedGen C0035335, MeSH D012175, MONDO:0008380, OMIM 180200, HP:0009919. Disease mechanism: loss of function. Inheritance: Both sporadic and heritable forms are tested..
Hereditary cancer-predisposing syndrome. Also called: Neoplastic Syndromes, Hereditary; Tumor predisposition; Hereditary Cancer Syndrome; Hereditary neoplastic syndrome. Identifiers: Orphanet 140162, MedGen C0027672, MeSH D009386, MONDO:0015356.

gnomAD v4.1: 4 of 1,509,624 alleles (0.00026%); highest among the groups gnomAD compares: Middle Eastern, 0.023%; no homozygotes.

Submissions (3):

Ambry Genetics
Classification: Uncertain significance for Hereditary cancer-predisposing syndrome. Last evaluated: 2025-05-28. Review status: criteria provided, single submitter. Criteria: Ambry Variant Classification Scheme 2023. Collection method: clinical testing. Allele origin: germline.
Comment: The p.A11G variant (also known as c.32C>G), located in coding exon 1 of the RB1 gene, results from a C to G substitution at nucleotide position 32. The alanine at codon 11 is replaced by glycine, an amino acid with similar properties. This amino acid position is highly conserved in available vertebrate species. In addition, this alteration is predicted to be tolerated by in silico analysis. Based on the available evidence, the clinical significance of this variant remains unclear.

Labcorp Genetics (formerly Invitae), Labcorp
Classification: Uncertain significance for Retinoblastoma. Last evaluated: 2024-07-30. Review status: criteria provided, single submitter. Criteria: Invitae Variant Classification Sherloc (09022015). Collection method: clinical testing. Allele origin: germline.
Comment: This sequence change replaces alanine, which is neutral and non-polar, with glycine, which is neutral and non-polar, at codon 11 of the RB1 protein (p.Ala11Gly). This variant is not present in population databases (gnomAD no frequency). This variant has not been reported in the literature in individuals affected with RB1-related conditions. ClinVar contains an entry for this variant (Variation ID: 527927). Advanced modeling of protein sequence and biophysical properties (such as structural, functional, and spatial information, amino acid conservation, physicochemical variation, residue mobility, and thermodynamic stability) has been performed at Invitae for this missense variant, however the output from this modeling did not meet the statistical confidence thresholds required to predict the impact of this variant on RB1 protein function. In summary, the available evidence is currently insufficient to determine the role of this variant in disease. Therefore, it has been classified as a Variant of Uncertain Significance.

All of Us Research Program, National Institutes of Health
Classification: Uncertain significance for Retinoblastoma. Last evaluated: 2024-07-20. Review status: criteria provided, single submitter. Criteria: ACMG Guidelines, 2015. Collection method: clinical testing. Allele origin: germline. Inheritance: Autosomal dominant inheritance. Observed: 1 variant allele, 1 heterozygote.
Comment: This missense variant replaces alanine with glycine at codon 11 of the RB1 protein. Computational prediction suggests that this variant may not impact protein structure and function (internally defined REVEL score threshold <= 0.5, PMID: 27666373). To our knowledge, functional studies have not been reported for this variant. This variant has not been reported in individuals affected with RB1-related disorders in the literature. This variant has not been identified in the general population by the Genome Aggregation Database (gnomAD). The available evidence is insufficient to determine the role of this variant in disease conclusively. Therefore, this variant is classified as a Variant of Uncertain Significance.

This study involves interpretation of variants in research participants for the purpose of population health screening. Participant phenotype was not available at the time of variant classification. Additional details can be found in publication PMID: 35346344, PMCID: PMC8962531